The following is an entry in ClinVar:

NM_001845.6(COL4A1):c.2404G>T (p.Gly802Cys)

Gene: COL4A1 (collagen type IV alpha 1 chain; minus strand). Cytogenetic location: 13q34.
Variant type: single nucleotide variant.
Coding change: c.2404G>T on transcript NM_001845.6 (MANE Select); coding-DNA position 2404, G replaced by T.
Protein change: p.Gly802Cys; replaces glycine 802 with cysteine.
Molecular consequence: missense variant.
Genome position (GRCh38, 1-based): chr13:110,178,977, C>A on the plus strand (G>T on the coding strand, the complement: COL4A1 is on the minus strand). VCF-style: chr13-110178977-C-A. GRCh37 (hg19) VCF-style: chr13-110831324-C-A.
Other names: short protein forms G802C.
Identifiers: ClinVar variation 2440299 (VCV002440299.5), dbSNP rs746290868, ClinGen allele CA7047604.

ClinVar aggregate classification (germline): Uncertain significance. Review status: criteria provided, multiple submitters, no conflicts (2 of 4 stars). 3 submissions from 3 submitters: Uncertain significance (3). Last evaluated 2024-06-04.

Conditions:
Brain small vessel disease 1 with or without ocular anomalies (BSVD1). Also called: BRAIN SMALL VESSEL DISEASE WITH HEMORRHAGE; GOULD SYNDROME 1; PORENCEPHALY, TYPE 1, AUTOSOMAL DOMINANT; Brain small vessel disease with or without ocular anomalies. Identifiers: Orphanet 2940, Orphanet 36383, Orphanet 99810, MedGen C4755307, MONDO:0008289, OMIM 175780.
Microangiopathy and leukoencephalopathy, pontine, autosomal dominant. Also called: Pontine autosomal dominant microangiopathy with leukoencephalopathy; DEMENTIA, HEREDITARY MULTI-INFARCT, SWEDISH TYPE. Identifiers: Orphanet 477749, MedGen C5231411, MONDO:0032814, OMIM 618564.
Hemorrhage, intracerebral, susceptibility to (ICH). Also called: Stroke, hemorrhagic, susceptibility to. Identifiers: MedGen C3281105, MONDO:0100533, OMIM 614519.
Autosomal dominant familial hematuria-retinal arteriolar tortuosity-contractures syndrome. Also called: Angiopathy, hereditary, with nephropathy, aneurysms, and muscle cramps; Hereditary Angiopathy with Nephropathy, Aneurysms, and Muscle Cramps (HANAC) Syndrome. Identifiers: Orphanet 73229, MedGen C2673195, MONDO:0012726, OMIM 611773.
Retinal arterial tortuosity. Also called: RETINAL HEMORRHAGE WITH VASCULAR TORTUOSITY; Retinal arteries, tortuosity of. Identifiers: Orphanet 75326, MedGen C0423401, MONDO:0008373, OMIM 180000, HP:0000631.

Allele frequency attached by ClinVar (database versions not stated): gnomAD exomes below 0.00001; TOPMed 0.00001.
gnomAD v4.1: 2 of 1,612,448 alleles (0.00012%); highest among the groups gnomAD compares: Admixed American, 0.0033%; no homozygotes.

Submissions (3):

Fulgent Genetics
Classification: Uncertain significance for Brain small vessel disease 1 with or without ocular anomalies; Retinal arterial tortuosity; Autosomal dominant familial hematuria-retinal arteriolar tortuosity-contractures syndrome; Hemorrhage, intracerebral, susceptibility to; Microangiopathy and leukoencephalopathy, pontine, autosomal dominant. Last evaluated: 2024-06-04. Review status: criteria provided, single submitter. Criteria: ACMG Guidelines, 2015. Collection method: clinical testing. Allele origin: germline.

Labcorp Genetics (formerly Invitae), Labcorp
Classification: Uncertain significance. Last evaluated: 2024-04-25. Review status: criteria provided, single submitter. Criteria: Invitae Variant Classification Sherloc (09022015). Collection method: clinical testing. Allele origin: germline.
Comment: This sequence change replaces glycine, which is neutral and non-polar, with cysteine, which is neutral and slightly polar, at codon 802 of the COL4A1 protein (p.Gly802Cys). This variant is present in population databases (rs746290868, gnomAD 0.006%). This variant has not been reported in the literature in individuals affected with COL4A1-related conditions. ClinVar contains an entry for this variant (Variation ID: 2440299). An algorithm developed to predict the effect of missense changes on protein structure and function (PolyPhen-2) suggests that this variant is likely to be disruptive. In summary, the available evidence is currently insufficient to determine the role of this variant in disease. Therefore, it has been classified as a Variant of Uncertain Significance.

Revvity Omics, Revvity
Classification: Uncertain significance. Last evaluated: 2022-11-22. Review status: criteria provided, single submitter. Criteria: ACMG Guidelines, 2015. Collection method: clinical testing. Allele origin: germline.